The following is an entry in ClinVar:

ClinVar aggregate classification (germline): Pathogenic (1 of 4 stars; one submission).

Conditions:
Joubert syndrome 18 (JBTS18). Identifiers: Orphanet 2754, MedGen C3553758, MONDO:0013896, OMIM 614815.
Orofacial-digital syndrome IV (OFD4). Also called: Orofaciodigital syndrome IV; BARAITSER-BURN SYNDROME; MOHR-MAJEWSKI SYNDROME; OFD SYNDROME WITH TIBIAL DEFECTS; OFD SYNDROME, BARAITSER-BURN TYPE; OFDS IV. Identifiers: Orphanet 2753, MedGen C0406727, MONDO:0009794, OMIM 258860.

Submission:

Labcorp Genetics (formerly Invitae), Labcorp
Classification: Pathogenic for Joubert syndrome 18; Orofacial-digital syndrome IV. Last evaluated: 2021-07-28. Review status: criteria provided, single submitter. Criteria: Invitae Variant Classification Sherloc (09022015). Collection method: clinical testing. Allele origin: germline.
Comment: This sequence change creates a premature translational stop signal (p.Leu303Profs*17) in the TCTN3 gene. It is expected to result in an absent or disrupted protein product. Loss-of-function variants in TCTN3 are known to be pathogenic (PMID: 2692869, 22883145, 25118024). This variant is not present in population databases (ExAC no frequency). This variant has not been reported in the literature in individuals affected with TCTN3-related conditions. For these reasons, this variant has been classified as Pathogenic.

Literature cited by the submitters: PubMed 2692869; PubMed 22883145; PubMed 25118024.

NM_015631.6(TCTN3):c.908_911del (p.Leu303fs)

Gene: TCTN3 (tectonic family member 3; minus strand). Cytogenetic location: 10q24.1.
Variant type: Deletion.
Coding change: c.908_911del on transcript NM_015631.6 (MANE Select); coding-DNA positions 908 to 911, 4 bases deleted (TTAC; older notation c.908_911delTTAC).
Protein change: p.Leu303fs; shifts the reading frame from leucine 303.
Molecular consequence: frameshift variant. On other transcripts: intron variant (1).
Genome position (GRCh38, 1-based): chr10:95,685,614-95,685,617, GTAA deleted on the plus strand (TTAC on the coding strand, the reverse complement: TCTN3 is on the minus strand); deleting any 4 consecutive bases within chr10:95,685,614-95,685,620 gives the same sequence; the c. name uses the placement nearest the transcript's 3' end. VCF-style (leftmost placement, unchanged base first): chr10-95685613-GGTAA-G. GRCh37 (hg19) VCF-style: chr10-97445370-GGTAA-G.
Other names: c.651+878_651+881del (NM_001143973.2); short protein forms L303fs.
Identifiers: ClinVar variation 1451811 (VCV001451811.6), dbSNP rs2139744863, ClinGen allele CA2573145994.